The following is an entry in ClinVar:

NM_001854.4(COL11A1):c.2722G>A (p.Gly908Ser)

Gene: COL11A1 (collagen type XI alpha 1 chain; minus strand). Cytogenetic location: 1p21.1.
Variant type: single nucleotide variant.
Coding change: c.2722G>A on transcript NM_001854.4 (MANE Select); coding-DNA position 2722, G replaced by A.
Protein change: p.Gly908Ser; replaces glycine 908 with serine.
Molecular consequence: missense variant. On other transcripts: non-coding transcript variant (1).
Genome position (GRCh38, 1-based): chr1:102,978,740, C>T on the plus strand (G>A on the coding strand, the complement: COL11A1 is on the minus strand). VCF-style: chr1-102978740-C-T. GRCh37 (hg19) VCF-style: chr1-103444296-C-T.
Other names: c.2605G>A, p.Gly869Ser (NM_001190709.2); c.2758G>A, p.Gly920Ser (NM_080629.3); c.2374G>A, p.Gly792Ser (NM_080630.4); short protein forms G792S, G869S, G908S, G920S.
Identifiers: ClinVar variation 1313148 (VCV001313148.8), dbSNP rs758953085, ClinGen allele CA974300.

ClinVar aggregate classification (germline): Conflicting classifications of pathogenicity. Review status: criteria provided, conflicting classifications (1 of 4 stars). 2 submissions from 2 submitters: Uncertain significance (1); Benign (1). Last evaluated 2025-02-15.

Allele frequency attached by ClinVar (database versions not stated): TOPMed below 0.00001; ExAC 0.00001; gnomAD exomes 0.00001 and 0.00002.
gnomAD v4.1: 7 of 1,614,128 alleles (0.00043%); highest among the groups gnomAD compares: Admixed American, 0.01%; no homozygotes.

Submissions (2):

Labcorp Genetics (formerly Invitae), Labcorp
Classification: Benign. Last evaluated: 2025-02-15. Review status: criteria provided, single submitter. Criteria: Invitae Variant Classification Sherloc (09022015). Collection method: clinical testing. Allele origin: germline.

GeneDx
Classification: Uncertain significance. Last evaluated: 2024-03-28. Review status: criteria provided, single submitter. Criteria: GeneDx Variant Classification Process June 2021. Collection method: clinical testing. Allele origin: germline. Affected: yes.
Comment: In silico analysis supports that this missense variant does not alter protein structure/function; Has not been previously published as pathogenic or benign to our knowledge